The following is an entry in ClinVar:

ClinVar aggregate classification (germline): Conflicting classifications of pathogenicity. Review status: criteria provided, conflicting classifications (1 of 4 stars). 2 submissions from 2 submitters: Uncertain significance (1); Likely benign (1). Last evaluated 2025-08-13.

gnomAD v4.1: 36 of 1,548,638 alleles (0.0023%); highest among the groups gnomAD compares: East Asian, 0.077%; no homozygotes.

Submissions (2):

Labcorp Genetics (formerly Invitae), Labcorp
Classification: Uncertain significance. Last evaluated: 2025-08-13. Review status: criteria provided, single submitter. Criteria: Invitae Variant Classification Sherloc (09022015). Collection method: clinical testing. Allele origin: germline.
Comment: This sequence change replaces leucine, which is neutral and non-polar, with phenylalanine, which is neutral and non-polar, at codon 355 of the ARHGEF10 protein (p.Leu355Phe). This variant is present in population databases (rs200109049, gnomAD 0.2%), and has an allele count higher than expected for a pathogenic variant. This variant has not been reported in the literature in individuals affected with ARHGEF10-related conditions. ClinVar contains an entry for this variant (Variation ID: 3642985). Invitae Evidence Modeling of protein sequence and biophysical properties (such as structural, functional, and spatial information, amino acid conservation, physicochemical variation, residue mobility, and thermodynamic stability) indicates that this missense variant is not expected to disrupt ARHGEF10 protein function with a negative predictive value of 80%. In summary, the available evidence is currently insufficient to determine the role of this variant in disease. Therefore, it has been classified as a Variant of Uncertain Significance.

Blueprint Genetics
Classification: Likely benign. Last evaluated: 2023-04-21. Review status: criteria provided, single submitter. Criteria: ACMG Guidelines, 2015. Collection method: clinical testing. Allele origin: germline.

NM_014629.4(ARHGEF10):c.1063C>T (p.Leu355Phe)

Gene: ARHGEF10 (Rho guanine nucleotide exchange factor 10; plus strand). Cytogenetic location: 8p23.3.
Variant type: single nucleotide variant.
Coding change: c.1063C>T on transcript NM_014629.4 (MANE Select); coding-DNA position 1063, C replaced by T.
Protein change: p.Leu355Phe; replaces leucine 355 with phenylalanine.
Molecular consequence: missense variant.
Genome position (GRCh38, 1-based): chr8:1,882,737, C>T. VCF-style: chr8-1882737-C-T. GRCh37 (hg19) VCF-style: chr8-1830903-C-T.
Other names: c.949C>T, p.Leu317Phe (NM_001308152.2); c.1066C>T, p.Leu356Phe (NM_001308153.3); short protein forms L355F, L380F, L317F, L356F.
Identifiers: ClinVar variation 3642985 (VCV003642985.3).